The following is an entry in ClinVar:

ClinVar aggregate classification (germline): Benign (0 of 4 stars; one submission).

Conditions:
PPP2R3A-related disorder. Also called: PPP2R3A-related condition.

Allele frequency attached by ClinVar (database versions not stated): ExAC 0.00723; gnomAD 0.01108; ESP Exome Variant Server 0.01176; TOPMed 0.01232; 1000 Genomes Project 0.01617; 1000 Genomes Project 30x 0.01655.
gnomAD v4.1: 5,957 of 1,613,688 alleles (0.37%); highest among the groups gnomAD compares: African/African-American, 3.4%; 96 homozygotes.

Submission:

PreventionGenetics, part of Exact Sciences
Classification: Benign for PPP2R3A-related condition. Last evaluated: 2019-02-19. Review status: no assertion criteria provided. Collection method: clinical testing. Allele origin: germline.
Comment: This variant is classified as benign based on ACMG/AMP sequence variant interpretation guidelines (Richards et al. 2015 PMID: 25741868, with internal and published modifications).

NM_002718.5(PPP2R3A):c.2088T>C (p.His696=)

Gene: PPP2R3A (protein phosphatase 2 regulatory subunit B''alpha; plus strand). Cytogenetic location: 3q22.3.
Variant type: single nucleotide variant.
Coding change: c.2088T>C on transcript NM_002718.5 (MANE Select); coding-DNA position 2088, T replaced by C.
Protein change: p.His696=; no amino-acid change (histidine 696 retained).
Molecular consequence: synonymous variant. On other transcripts: 5 prime UTR variant (1).
Genome position (GRCh38, 1-based): chr3:136,026,924, T>C. VCF-style: chr3-136026924-T-C. GRCh37 (hg19) VCF-style: chr3-135745766-T-C.
Other names: c.-121T>C (NM_001190447.2); c.225T>C, p.His75= (NM_181897.3).
Identifiers: ClinVar variation 3041344 (VCV003041344.2), dbSNP rs35279847, ClinGen allele CA2630755.
Genomic context (GRCh38, chr3:136,026,924, plus strand): 5'-ACCACTCCCACCTCCAGCCACCTCTCCAAGTAGTCCCCGACCTCTCTCCCCGGTTCCCCA[T>C]GTGAATAATGTTGTGAATGCGCCATTGTCCATAAACATTCCACGGTTCTACTTTCCTGAA-3'
Protein context (NP_002709.2, residues 686-706): SSPRPLSPVP[His696=]VNNVVNAPLS